The following is an entry in ClinVar:

NM_001365480.1(CCDC88A):c.1520T>A (p.Val507Asp)

Gene: CCDC88A (coiled-coil and HOOK domain protein 88A; minus strand). Cytogenetic location: 2p16.1.
Variant type: single nucleotide variant.
Coding change: c.1520T>A on transcript NM_001365480.1 (MANE Select); coding-DNA position 1520, T replaced by A.
Protein change: p.Val507Asp; replaces valine 507 with aspartic acid.
Molecular consequence: missense variant.
Genome position (GRCh38, 1-based): chr2:55,336,817, A>T on the plus strand (T>A on the coding strand, the complement: CCDC88A is on the minus strand). VCF-style: chr2-55336817-A-T. GRCh37 (hg19) VCF-style: chr2-55563953-A-T.
Other names: c.1520T>A, p.Val507Asp (NM_001135597.2, NM_001254943.2, NM_018084.5); short protein forms V507D.
Identifiers: ClinVar variation 1363804 (VCV001363804.8), dbSNP rs2104696470, ClinGen allele CA346903037.

ClinVar aggregate classification (germline): Uncertain significance (1 of 4 stars; one submission).

Submission:

Labcorp Genetics (formerly Invitae), Labcorp
Classification: Uncertain significance. Last evaluated: 2021-06-24. Review status: criteria provided, single submitter. Criteria: Invitae Variant Classification Sherloc (09022015). Collection method: clinical testing. Allele origin: germline.
Comment: This sequence change replaces valine with aspartic acid at codon 507 of the CCDC88A protein (p.Val507Asp). The valine residue is weakly conserved and there is a large physicochemical difference between valine and aspartic acid. In summary, the available evidence is currently insufficient to determine the role of this variant in disease. Therefore, it has been classified as a Variant of Uncertain Significance. Algorithms developed to predict the effect of missense changes on protein structure and function are either unavailable or do not agree on the potential impact of this missense change (SIFT: "Deleterious"; PolyPhen-2: "Possibly Damaging"; Align-GVGD: "Class C0"). This variant has not been reported in the literature in individuals with CCDC88A-related conditions. This variant is not present in population databases (ExAC no frequency).